The following is an entry in ClinVar:

NM_017636.4(TRPM4):c.3131+17C>T

Gene: TRPM4 (transient receptor potential cation channel subfamily M member 4; plus strand). Cytogenetic location: 19q13.33.
Variant type: single nucleotide variant.
Coding change: c.3131+17C>T on transcript NM_017636.4 (MANE Select); 17 bases into the intron after coding-DNA position 3131, C replaced by T.
Molecular consequence: intron variant.
Genome position (GRCh38, 1-based): chr19:49,202,158, C>T. VCF-style: chr19-49202158-C-T. GRCh37 (hg19) VCF-style: chr19-49705415-C-T.
Other names: c.2696+17C>T (NM_001195227.2); c.1523+17C>T (NM_001321282.2); c.2786+17C>T (NM_001321281.2); c.2609+17C>T (NM_001321283.2); c.2069+17C>T (NM_001321285.2).
Identifiers: ClinVar variation 506371 (VCV000506371.9), dbSNP rs201977777, ClinGen allele CA9569775.
Genomic context (GRCh38, chr19:49,202,158, plus strand): 5'-GTGGCCAACATCCTGCTGGTCAACTTGCTCATTGCCATGTTCAGGTGAGGCCTGACTGCT[C>T]TCTGATCTGACCCCACCCAGCATGACCCGTGGCCCTCTCATGACTCTTGAACCCCGTCTA-3'

ClinVar aggregate classification (germline): Benign. Review status: criteria provided, multiple submitters, no conflicts (2 of 4 stars). 2 submissions from 2 submitters: Benign (2). Last evaluated 2026-01-16.

Conditions:
Progressive familial heart block type IB (PFHB1B). Identifiers: Orphanet 871, MedGen C1970298, MONDO:0011474, OMIM 604559.

Allele frequency attached by ClinVar (database versions not stated): TOPMed 0.00004; ESP Exome Variant Server 0.00008; 1000 Genomes Project 30x 0.00593; 1000 Genomes Project 0.00659.
gnomAD v4.1: 2,840 of 1,613,676 alleles (0.18%); highest among the groups gnomAD compares: South Asian, 2.9%; 85 homozygotes.

Submissions (2):

Labcorp Genetics (formerly Invitae), Labcorp
Classification: Benign for Progressive familial heart block type IB. Last evaluated: 2026-01-16. Review status: criteria provided, single submitter. Criteria: Invitae Variant Classification Sherloc (09022015). Collection method: clinical testing. Allele origin: germline.

GeneDx
Classification: Benign. Last evaluated: 2017-10-03. Review status: criteria provided, single submitter. Criteria: GeneDx Variant Classification (06012015). Collection method: clinical testing. Allele origin: germline. Affected: yes.
Comment: This variant is considered likely benign or benign based on one or more of the following criteria: it is a conservative change, it occurs at a poorly conserved position in the protein, it is predicted to be benign by multiple in silico algorithms, and/or has population frequency not consistent with disease.